The following is an entry in ClinVar:

NM_007315.4(STAT1):c.373-10C>G

Gene: STAT1 (signal transducer and activator of transcription 1; minus strand). Cytogenetic location: 2q32.2.
Variant type: single nucleotide variant.
Coding change: c.373-10C>G on transcript NM_007315.4 (MANE Select); 10 bases into the intron before coding-DNA position 373, C replaced by G.
Molecular consequence: intron variant.
Genome position (GRCh38, 1-based): chr2:191,001,173, G>C on the plus strand (C>G on the coding strand, the complement: STAT1 is on the minus strand). VCF-style: chr2-191001173-G-C. GRCh37 (hg19) VCF-style: chr2-191865899-G-C.
Other names: c.373-1469C>G (NM_001384890.1); c.373-10C>G (NM_001384883.1, NM_001384885.1, NM_001384887.1 and 6 more transcripts); c.409-10C>G (NM_001384891.1); c.379-10C>G (NM_001384884.1, NM_001384881.1).
Identifiers: ClinVar variation 1920729 (VCV001920729.5), dbSNP rs773540892, ClinGen allele CA1040539397.

ClinVar aggregate classification (germline): Uncertain significance (1 of 4 stars; one submission).

Conditions:
Immunodeficiency 31B. Also called: STAT1 DEFICIENCY, AUTOSOMAL RECESSIVE; IMMUNODEFICIENCY 31B, MYCOBACTERIAL AND VIRAL INFECTIONS, AUTOSOMAL RECESSIVE. Identifiers: Orphanet 391311, MedGen C3151088, MONDO:0013427, OMIM 613796.
Mendelian susceptibility to mycobacterial diseases due to partial STAT1 deficiency. Also called: IMMUNODEFICIENCY 31A, MYCOBACTERIOSIS, AUTOSOMAL DOMINANT; STAT1 DEFICIENCY, AUTOSOMAL DOMINANT; Immunodeficiency 31a. Identifiers: Orphanet 319595, MedGen C4013950, MONDO:0013956, OMIM 614892.
Autoimmune enteropathy and endocrinopathy - susceptibility to chronic infections syndrome. Also called: Immunodeficiency 31C; Immunodeficiency 31C, autosomal dominant. Identifiers: Orphanet 391487, MedGen C3279990, MONDO:0013599, OMIM 614162.

gnomAD v4.1: 2 of 1,608,460 alleles (0.00012%); highest among the groups gnomAD compares: African/African-American, 0.0027%; no homozygotes.

Submission:

Labcorp Genetics (formerly Invitae), Labcorp
Classification: Uncertain significance for Mendelian susceptibility to mycobacterial diseases due to partial STAT1 deficiency; Immunodeficiency 31B; Autoimmune enteropathy and endocrinopathy - susceptibility to chronic infections syndrome. Last evaluated: 2022-09-12. Review status: criteria provided, single submitter. Criteria: Invitae Variant Classification Sherloc (09022015). Collection method: clinical testing. Allele origin: germline.
Comment: This variant has not been reported in the literature in individuals affected with STAT1-related conditions. This variant is not present in population databases (gnomAD no frequency). This sequence change falls in intron 5 of the STAT1 gene. It does not directly change the encoded amino acid sequence of the STAT1 protein. Algorithms developed to predict the effect of sequence changes on RNA splicing suggest that this variant may disrupt the consensus splice site. In summary, the available evidence is currently insufficient to determine the role of this variant in disease. Therefore, it has been classified as a Variant of Uncertain Significance.